The following is an entry in ClinVar:

ClinVar aggregate classification (germline): Uncertain significance (1 of 4 stars; one submission).

Conditions:
Congenital insensitivity to pain-hypohidrosis syndrome. Also called: HSAN VIII; Neuropathy, hereditary sensory and autonomic, type VIII. Identifiers: Orphanet 478664, MedGen C4225308, MONDO:0014662, OMIM 616488.

Allele frequency attached by ClinVar (database versions not stated): ExAC 0.00001; gnomAD exomes below 0.00001.
gnomAD v4.1: 1 of 1,610,128 alleles (0.000062%); highest among the groups gnomAD compares: South Asian, 0.0011%; no homozygotes.

Submission:

Labcorp Genetics (formerly Invitae), Labcorp
Classification: Uncertain significance for Congenital insensitivity to pain-hypohidrosis syndrome. Last evaluated: 2021-04-29. Review status: criteria provided, single submitter. Criteria: Invitae Variant Classification Sherloc (09022015). Collection method: clinical testing. Allele origin: germline.
Comment: In summary, the available evidence is currently insufficient to determine the role of this variant in disease. Therefore, it has been classified as a Variant of Uncertain Significance. Algorithms developed to predict the effect of missense changes on protein structure and function (SIFT, PolyPhen-2, Align-GVGD) all suggest that this variant is likely to be disruptive, but these predictions have not been confirmed by published functional studies and their clinical significance is uncertain. This variant has not been reported in the literature in individuals with PRDM12-related conditions. This variant is present in population databases (rs764418424, ExAC 0.006%). This sequence change replaces lysine with glutamine at codon 223 of the PRDM12 protein (p.Lys223Gln). The lysine residue is highly conserved and there is a small physicochemical difference between lysine and glutamine.

NM_021619.3(PRDM12):c.667A>C (p.Lys223Gln)

Gene: PRDM12 (PR/SET domain 12; plus strand). Cytogenetic location: 9q34.12.
Variant type: single nucleotide variant.
Coding change: c.667A>C on transcript NM_021619.3 (MANE Select); coding-DNA position 667, A replaced by C.
Protein change: p.Lys223Gln; replaces lysine 223 with glutamine.
Molecular consequence: missense variant.
Genome position (GRCh38, 1-based): chr9:130,678,625, A>C. VCF-style: chr9-130678625-A-C. GRCh37 (hg19) VCF-style: chr9-133554012-A-C.
Other names: short protein forms K223Q.
Identifiers: ClinVar variation 1350087 (VCV001350087.8), dbSNP rs764418424, ClinGen allele CA5284622.